The following is an entry in ClinVar:

NM_001036.6(RYR3):c.8604C>A (p.Asp2868Glu)

Gene: RYR3 (ryanodine receptor 3; plus strand). Cytogenetic location: 15q14.
Variant type: single nucleotide variant.
Coding change: c.8604C>A on transcript NM_001036.6 (MANE Select); coding-DNA position 8604, C replaced by A.
Protein change: p.Asp2868Glu; replaces aspartic acid 2868 with glutamic acid.
Molecular consequence: missense variant.
Genome position (GRCh38, 1-based): chr15:33,757,495, C>A. VCF-style: chr15-33757495-C-A. GRCh37 (hg19) VCF-style: chr15-34049696-C-A.
Other names: c.8604C>A, p.Asp2868Glu (NM_001243996.4); short protein forms D2868E.
Identifiers: ClinVar variation 4885849 (VCV004885849.2).

ClinVar aggregate classification (germline): Uncertain significance (1 of 4 stars; one submission).

Submission:

Dasa
Classification: Uncertain significance. Last evaluated: 2026-04-16. Review status: criteria provided, single submitter. Criteria: DASA Assertion Criteria. Collection method: clinical testing. Allele origin: germline.
Comment: NM_001036.6(RYR3):c.8604C>A (p.Asp2868Glu) is a missense variant that results in the substitution of aspartic acid with glutamic acid. This variant is rare in population databases. The currently available literature and clinical evidence are not sufficient to establish a definitive association between this variant and the reported condition. Therefore, this variant is classified as a variant of uncertain significance.